The following is an entry in ClinVar:

ClinVar aggregate classification (germline): Uncertain significance. Review status: criteria provided, multiple submitters, no conflicts (2 of 4 stars). 2 submissions from 2 submitters: Uncertain significance (2). Last evaluated 2024-11-01.

Conditions:
Cardiomyopathy (CMYO). Also called: Cardiomyopathies. Identifiers: Orphanet 167848, MedGen C0878544, MONDO:0004994, HP:0001638. Inheritance: Various modes of inheritance.
Hypertrophic cardiomyopathy. Also called: HYPERTROPHIC MYOCARDIOPATHY. Identifiers: Orphanet 217569, MedGen C0007194, MeSH D002312, MONDO:0005045, HP:0001639.

Allele frequency attached by ClinVar (database versions not stated): gnomAD exomes below 0.00001; ExAC 0.00001.

Submissions (2):

Labcorp Genetics (formerly Invitae), Labcorp
Classification: Uncertain significance for Hypertrophic cardiomyopathy. Last evaluated: 2024-11-01. Review status: criteria provided, single submitter. Criteria: Invitae Variant Classification Sherloc (09022015). Collection method: clinical testing. Allele origin: germline.
Comment: This sequence change replaces lysine, which is basic and polar, with asparagine, which is neutral and polar, at codon 596 of the MYH7 protein (p.Lys596Asn). This variant is present in population databases (rs606231325, gnomAD 0.01%). This variant has not been reported in the literature in individuals affected with MYH7-related conditions. ClinVar contains an entry for this variant (Variation ID: 915604). Invitae Evidence Modeling of protein sequence and biophysical properties (such as structural, functional, and spatial information, amino acid conservation, physicochemical variation, residue mobility, and thermodynamic stability) indicates that this missense variant is expected to disrupt MYH7 protein function with a positive predictive value of 95%. In summary, the available evidence is currently insufficient to determine the role of this variant in disease. Therefore, it has been classified as a Variant of Uncertain Significance.

CHEO Genetics Diagnostic Laboratory, Children's Hospital of Eastern Ontario
Classification: Uncertain significance for Cardiomyopathy. Last evaluated: 2018-04-13. Review status: criteria provided, single submitter. Criteria: ACMG Guidelines, 2015. Collection method: clinical testing. Allele origin: germline.

NM_000257.4(MYH7):c.1788G>C (p.Lys596Asn)

Gene: MYH7 (myosin heavy chain 7; minus strand). Cytogenetic location: 14q11.2.
Variant type: single nucleotide variant.
Coding change: c.1788G>C on transcript NM_000257.4 (MANE Select); coding-DNA position 1788, G replaced by C.
Protein change: p.Lys596Asn; replaces lysine 596 with asparagine.
Molecular consequence: missense variant.
Genome position (GRCh38, 1-based): chr14:23,427,685, C>G on the plus strand (G>C on the coding strand, the complement: MYH7 is on the minus strand). VCF-style: chr14-23427685-C-G. GRCh37 (hg19) VCF-style: chr14-23896894-C-G.
Other names: short protein forms K596N.
Identifiers: ClinVar variation 915604 (VCV000915604.4), dbSNP rs606231325, ClinGen allele CA029392.
Genomic context (GRCh38, chr14:23,427,685, plus strand): 5'-CAGCTTGAGGGAAGACTTCTGATACAAGCCCACGACAGTCTCATTGAGAGGATCCTTGTT[C>G]TTCTGCAGCCAGCCAATGATGTTGTAGTCCACGATGCCGGCATAGTGGATCAGGGAGAAG-3'
Protein context (NP_000248.2, residues 586-606): VDYNIIGWLQ[Lys596Asn]NKDPLNETVV